The following is an entry in ClinVar:

ClinVar aggregate classification (germline): Uncertain significance. Review status: criteria provided, multiple submitters, no conflicts (2 of 4 stars). 2 submissions from 2 submitters: Uncertain significance (2). Last evaluated 2025-08-30.

Conditions:
Inborn genetic diseases. Identifiers: MedGen C0950123, MeSH D030342.

Allele frequency attached by ClinVar (database versions not stated): gnomAD exomes below 0.00001; TOPMed 0.00001.
gnomAD v4.1: 3 of 1,613,258 alleles (0.00019%); highest among the groups gnomAD compares: Admixed American, 0.0033%; no homozygotes.

Submissions (2):

Ambry Genetics
Classification: Uncertain significance for Inborn genetic diseases. Last evaluated: 2025-08-30. Review status: criteria provided, single submitter. Criteria: Ambry Variant Classification Scheme 2023. Collection method: clinical testing. Allele origin: germline.

Labcorp Genetics (formerly Invitae), Labcorp
Classification: Uncertain significance. Last evaluated: 2022-10-25. Review status: criteria provided, single submitter. Criteria: Invitae Variant Classification Sherloc (09022015). Collection method: clinical testing. Allele origin: germline.
Comment: This sequence change replaces histidine, which is basic and polar, with tyrosine, which is neutral and polar, at codon 3299 of the FAT1 protein (p.His3299Tyr). This variant is not present in population databases (gnomAD no frequency). This variant has not been reported in the literature in individuals affected with FAT1-related conditions. Advanced modeling of protein sequence and biophysical properties (such as structural, functional, and spatial information, amino acid conservation, physicochemical variation, residue mobility, and thermodynamic stability) performed at Invitae indicates that this missense variant is not expected to disrupt FAT1 protein function. In summary, the available evidence is currently insufficient to determine the role of this variant in disease. Therefore, it has been classified as a Variant of Uncertain Significance.

NM_005245.4(FAT1):c.9895C>T (p.His3299Tyr)

Gene: FAT1 (FAT atypical cadherin 1; minus strand). Cytogenetic location: 4q35.2.
Variant type: single nucleotide variant.
Coding change: c.9895C>T on transcript NM_005245.4 (MANE Select); coding-DNA position 9895, C replaced by T.
Protein change: p.His3299Tyr; replaces histidine 3299 with tyrosine.
Molecular consequence: missense variant.
Genome position (GRCh38, 1-based): chr4:186,609,974, G>A on the plus strand (C>T on the coding strand, the complement: FAT1 is on the minus strand). VCF-style: chr4-186609974-G-A. GRCh37 (hg19) VCF-style: chr4-187531128-G-A.
Other names: c.9895C>T (NM_005245.3); short protein forms H3299Y.
Identifiers: ClinVar variation 1941872 (VCV001941872.3), dbSNP rs1739327522, ClinGen allele CA358954937.